The following is an entry in ClinVar:

ClinVar aggregate classification (germline): Uncertain significance. Review status: criteria provided, multiple submitters, no conflicts (2 of 4 stars). 3 submissions from 3 submitters: Uncertain significance (3). Last evaluated 2023-02-16.

Conditions:
Multinucleated neurons-anhydramnios-renal dysplasia-cerebellar hypoplasia-hydranencephaly syndrome. Also called: Hydranencephaly with renal aplasia-dysplasia. Identifiers: Orphanet 500135, MedGen C1856053, MONDO:0009359, OMIM 236500.
Inborn genetic diseases. Identifiers: MedGen C0950123, MeSH D030342.

Allele frequency attached by ClinVar (database versions not stated): ESP Exome Variant Server 0.00008; TOPMed 0.00021; gnomAD 0.00024; gnomAD exomes 0.00031; ExAC 0.00032.

Submissions (3):

Ambry Genetics
Classification: Uncertain significance for Inborn genetic diseases. Last evaluated: 2023-02-16. Review status: criteria provided, single submitter. Criteria: Ambry Variant Classification Scheme 2023. Collection method: clinical testing. Allele origin: germline.

Labcorp Genetics (formerly Invitae), Labcorp
Classification: Uncertain significance. Last evaluated: 2022-10-05. Review status: criteria provided, single submitter. Criteria: Invitae Variant Classification Sherloc (09022015). Collection method: clinical testing. Allele origin: germline.
Comment: This sequence change replaces proline, which is neutral and non-polar, with arginine, which is basic and polar, at codon 426 of the CEP55 protein (p.Pro426Arg). This variant is present in population databases (rs200014799, gnomAD 0.08%). This variant has not been reported in the literature in individuals affected with CEP55-related conditions. ClinVar contains an entry for this variant (Variation ID: 1027682). Algorithms developed to predict the effect of missense changes on protein structure and function are either unavailable or do not agree on the potential impact of this missense change (SIFT: "Deleterious"; PolyPhen-2: "Probably Damaging"; Align-GVGD: "Class C0"). In summary, the available evidence is currently insufficient to determine the role of this variant in disease. Therefore, it has been classified as a Variant of Uncertain Significance.

Baylor Genetics
Classification: Uncertain significance for Multinucleated neurons-anhydramnios-renal dysplasia-cerebellar hypoplasia-hydranencephaly syndrome. Last evaluated: 2020-06-03. Review status: criteria provided, single submitter. Criteria: ACMG Guidelines, 2015. Collection method: clinical testing. Allele origin: unknown. Affected: yes.
Comment: This variant was determined to be of uncertain significance according to ACMG Guidelines, 2015 [PMID:25741868].

NM_018131.5(CEP55):c.1277C>G (p.Pro426Arg)

Gene: CEP55 (centrosomal protein 55; plus strand). Cytogenetic location: 10q23.33.
Variant type: single nucleotide variant.
Coding change: c.1277C>G on transcript NM_018131.5 (MANE Select); coding-DNA position 1277, C replaced by G.
Protein change: p.Pro426Arg; replaces proline 426 with arginine.
Molecular consequence: missense variant.
Genome position (GRCh38, 1-based): chr10:93,528,035, C>G. VCF-style: chr10-93528035-C-G. GRCh37 (hg19) VCF-style: chr10-95287792-C-G.
Other names: c.1277C>G, p.Pro426Arg (NM_001127182.2); c.1277C>G (NM_018131.4); short protein forms P426R.
Identifiers: ClinVar variation 1027682 (VCV001027682.4), dbSNP rs200014799, ClinGen allele CA5609160.